The following is an entry in ClinVar:

ClinVar aggregate classification (germline): Uncertain significance (1 of 4 stars; one submission).

Conditions:
Alkuraya-Kucinskas syndrome. Identifiers: Orphanet 610569, MedGen C4693347, MONDO:0060631, OMIM 617822.

Submission:

Baylor Genetics
Classification: Uncertain significance for Alkuraya-Kucinskas syndrome. Last evaluated: 2018-06-25. Review status: criteria provided, single submitter. Criteria: ACMG Guidelines, 2015. Collection method: clinical testing. Allele origin: paternal. Affected: yes.
Comment: This variant was determined to be of uncertain significance according to ACMG Guidelines, 2015 [PMID:25741868].

NM_001384125.1(BLTP1):c.12407G>A (p.Arg4136Gln)

Gene: BLTP1 (bridge-like lipid transfer protein family member 1; plus strand). Cytogenetic location: 4q27.
Variant type: single nucleotide variant.
Coding change: c.12407G>A on transcript NM_001384125.1 (MANE Select); coding-DNA position 12407, G replaced by A.
Protein change: p.Arg4136Gln; replaces arginine 4136 with glutamine.
Molecular consequence: missense variant.
Genome position (GRCh38, 1-based): chr4:122,337,013, G>A. VCF-style: chr4-122337013-G-A. GRCh37 (hg19) VCF-style: chr4-123258168-G-A.
Other names: c.12143G>A, p.Arg4048Gln (NM_015312.4); short protein forms R4136Q, R4048Q.
Identifiers: ClinVar variation 1033760 (VCV001033760.1), dbSNP rs1787752479, ClinGen allele CA358083107.